The following is an entry in ClinVar:

ClinVar aggregate classification (germline): Uncertain significance (1 of 4 stars; one submission).

gnomAD v4.1: 1 of 1,584,262 alleles (0.000063%); highest among the groups gnomAD compares: Non-Finnish European, 0.000085%; no homozygotes.

Submission:

Labcorp Genetics (formerly Invitae), Labcorp
Classification: Uncertain significance. Last evaluated: 2023-08-17. Review status: criteria provided, single submitter. Criteria: Invitae Variant Classification Sherloc (09022015). Collection method: clinical testing. Allele origin: germline.
Comment: An algorithm developed to predict the effect of missense changes on protein structure and function (PolyPhen-2) suggests that this variant is likely to be disruptive. In summary, the available evidence is currently insufficient to determine the role of this variant in disease. Therefore, it has been classified as a Variant of Uncertain Significance. ClinVar contains an entry for this variant (Variation ID: 1502750). This variant has not been reported in the literature in individuals affected with AP3B2-related conditions. This variant is not present in population databases (gnomAD no frequency). This sequence change replaces alanine, which is neutral and non-polar, with proline, which is neutral and non-polar, at codon 319 of the AP3B2 protein (p.Ala319Pro).

NM_001278512.2(AP3B2):c.955G>C (p.Ala319Pro)

Genes: AP3B2 (adaptor related protein complex 3 subunit beta 2; minus strand), CPEB1-AS1 (CPEB1 antisense RNA 1; plus strand). Cytogenetic location: 15q25.2.
Variant type: single nucleotide variant.
Coding change: c.955G>C on transcript NM_001278512.2 (MANE Select); coding-DNA position 955, G replaced by C.
Protein change: p.Ala319Pro; replaces alanine 319 with proline.
Molecular consequence: missense variant.
Genome position (GRCh38, 1-based): chr15:82,680,572, C>G on the plus strand (G>C on the coding strand, the complement: AP3B2 is on the minus strand). VCF-style: chr15-82680572-C-G. GRCh37 (hg19) VCF-style: chr15-83349324-C-G.
Other names: c.859G>C, p.Ala287Pro (NM_001278511.2); c.955G>C, p.Ala319Pro (NM_004644.5); short protein forms A287P, A319P.
Identifiers: ClinVar variation 1502750 (VCV001502750.6), dbSNP rs1323531667, ClinGen allele CA393318952.